The following is an entry in ClinVar:

ClinVar aggregate classification (germline): Likely pathogenic. Review status: criteria provided, multiple submitters, no conflicts (2 of 4 stars). 2 submissions from 2 submitters: Likely pathogenic (2). Last evaluated 2023-10-28.

Conditions:
Combined deficiency of sialidase AND beta galactosidase (GSL). Also called: Galactosialidosis; CATHEPSIN A DEFICIENCY; GOLDBERG SYNDROME; NEURAMINIDASE DEFICIENCY WITH BETA-GALACTOSIDASE DEFICIENCY; NEURAMINIDASE/BETA-GALACTOSIDASE EXPRESSION; PPCA DEFICIENCY. Identifiers: Orphanet 351, MedGen C0268233, MONDO:0009737, OMIM 256540.

Allele frequency attached by ClinVar (database versions not stated): TOPMed below 0.00001.
gnomAD v4.1: 1 of 1,614,128 alleles (0.000062%); highest among the groups gnomAD compares: Non-Finnish European, 0.000085%; no homozygotes.

Submissions (2):

Labcorp Genetics (formerly Invitae), Labcorp
Classification: Likely pathogenic for Combined deficiency of sialidase AND beta galactosidase. Last evaluated: 2023-10-28. Review status: criteria provided, single submitter. Criteria: Invitae Variant Classification Sherloc (09022015). Collection method: clinical testing. Allele origin: germline.
Comment: This sequence change affects a donor splice site in intron 11 of the CTSA gene. It is expected to disrupt RNA splicing. Variants that disrupt the donor or acceptor splice site typically lead to a loss of protein function (PMID: 16199547), and loss-of-function variants in CTSA are known to be pathogenic (PMID: 15110321, 23915561). This variant is present in population databases (no rsID available, gnomAD 0.0009%). This variant has not been reported in the literature in individuals affected with CTSA-related conditions. Algorithms developed to predict the effect of sequence changes on RNA splicing suggest that this variant may disrupt the consensus splice site. In summary, the currently available evidence indicates that the variant is pathogenic, but additional data are needed to prove that conclusively. Therefore, this variant has been classified as Likely Pathogenic.

Juno Genomics, Hangzhou Juno Genomics, Inc
Classification: Likely pathogenic for Combined deficiency of sialidase AND beta galactosidase. Review status: criteria provided, single submitter. Criteria: ACMG Guidelines, 2015. Collection method: clinical testing. Allele origin: germline.
Comment: Null variant in a gene where loss of function (LOF) is a known mechanism of disease.;Absent from controls (or at extremely low frequency if recessive) in Genome Aggregation Database.

Literature cited by the submitters: PubMed 16199547 (cited by Labcorp Genetics (formerly Invitae), Labcorp); PubMed 15110321 (cited by Labcorp Genetics (formerly Invitae), Labcorp); PubMed 23915561 (cited by Labcorp Genetics (formerly Invitae), Labcorp).

NM_000308.4(CTSA):c.1088+1G>A

Gene: CTSA (cathepsin A; plus strand). Cytogenetic location: 20q13.12.
Variant type: single nucleotide variant.
Coding change: c.1088+1G>A on transcript NM_000308.4 (MANE Select); the canonical splice donor site of the intron after coding-DNA position 1088, G replaced by A.
Molecular consequence: splice donor variant.
Genome position (GRCh38, 1-based): chr20:45,895,134, G>A. VCF-style: chr20-45895134-G-A. GRCh37 (hg19) VCF-style: chr20-44523773-G-A.
Other names: c.1088+1G>A (NM_001127695.3); c.1037+1G>A (NM_001167594.3).
Identifiers: ClinVar variation 2798638 (VCV002798638.5), dbSNP rs112245399, ClinGen allele CA409252925.